The following is an entry in ClinVar:

NM_002677.5(PMP2):c.246+5T>A

Gene: PMP2 (peripheral myelin protein 2; minus strand). Cytogenetic location: 8q21.13.
Variant type: single nucleotide variant.
Coding change: c.246+5T>A on transcript NM_002677.5 (MANE Select); 5 bases into the intron after coding-DNA position 246, T replaced by A.
Molecular consequence: intron variant.
Genome position (GRCh38, 1-based): chr8:81,444,812, A>T on the plus strand (T>A on the coding strand, the complement: PMP2 is on the minus strand). VCF-style: chr8-81444812-A-T. GRCh37 (hg19) VCF-style: chr8-82357047-A-T.
Other names: c.74-211T>A (NM_001348381.2).
Identifiers: ClinVar variation 1401090 (VCV001401090.8), dbSNP rs753938203, ClinGen allele CA4791953.
Genomic context (GRCh38, chr8:81,444,812, plus strand): 5'-CAGGAATATTCCTCTCTCTCAAGCAGCCCACTGGGCCAACTTTGAAGAGAAACATTAAAG[A>T]TTACCTTGGTCTTTCTATTGTCAGCTGTGGTTTCTTCAAATTCCTGGCCTAGCTTGAAGG-3'

ClinVar aggregate classification (germline): Conflicting classifications of pathogenicity. Review status: criteria provided, conflicting classifications (1 of 4 stars). 2 submissions from 2 submitters: Uncertain significance (1); Likely benign (1). Last evaluated 2025-07-14.

Conditions:
Charcot-Marie-Tooth disease, demyelinating, type 1G (CMT1G). Identifiers: Orphanet 476394, MedGen C4748940, MONDO:0033135, OMIM 618279.

Allele frequency attached by ClinVar (database versions not stated): gnomAD exomes 0.00001 and 0.00002; ExAC 0.00002; TOPMed 0.00003; gnomAD 0.00004 and 0.00006.
gnomAD v4.1: 28 of 1,612,000 alleles (0.0017%); highest among the groups gnomAD compares: Admixed American, 0.012%; no homozygotes.

Submissions (2):

Labcorp Genetics (formerly Invitae), Labcorp
Classification: Uncertain significance. Last evaluated: 2025-07-14. Review status: criteria provided, single submitter. Criteria: Invitae Variant Classification Sherloc (09022015). Collection method: clinical testing. Allele origin: germline.
Comment: This sequence change falls in intron 2 of the PMP2 gene. It does not directly change the encoded amino acid sequence of the PMP2 protein. It affects a nucleotide within the consensus splice site. This variant is present in population databases (rs753938203, gnomAD 0.003%). This variant has not been reported in the literature in individuals affected with PMP2-related conditions. ClinVar contains an entry for this variant (Variation ID: 1401090). Variants that disrupt the consensus splice site are a relatively common cause of aberrant splicing (PMID: 17576681, 9536098). Algorithms developed to predict the effect of sequence changes on RNA splicing suggest that this variant is not likely to affect RNA splicing. In summary, the available evidence is currently insufficient to determine the role of this variant in disease. Therefore, it has been classified as a Variant of Uncertain Significance.

Blueprint Genetics
Classification: Likely benign. Last evaluated: 2023-01-18. Review status: criteria provided, single submitter. Criteria: ACMG Guidelines, 2015. Collection method: clinical testing. Allele origin: germline.

Literature cited by the submitters: PubMed 17576681 (cited by Labcorp Genetics (formerly Invitae), Labcorp); PubMed 9536098 (cited by Labcorp Genetics (formerly Invitae), Labcorp).